The following is an entry in ClinVar:

NM_001267550.2(TTN):c.65117G>A (p.Trp21706Ter)

Genes: TTN-AS1 (TTN antisense RNA 1; plus strand), TTN (titin; minus strand). Cytogenetic location: 2q31.2.
Variant type: single nucleotide variant.
Coding change: c.65117G>A on transcript NM_001267550.2 (MANE Select); coding-DNA position 65117, G replaced by A.
Protein change: p.Trp21706Ter; replaces tryptophan 21706 with a stop codon.
Molecular consequence: nonsense.
Genome position (GRCh38, 1-based): chr2:178,584,434, C>T on the plus strand (G>A on the coding strand, the complement: TTN is on the minus strand). VCF-style: chr2-178584434-C-T. GRCh37 (hg19) VCF-style: chr2-179449161-C-T.
Other names: c.60194G>A, p.Trp20065Ter (NM_001256850.1); c.37922G>A, p.Trp12641Ter (NM_003319.4); c.57413G>A, p.Trp19138Ter (NM_133378.4); c.38297G>A, p.Trp12766Ter (NM_133432.3); c.38498G>A, p.Trp12833Ter (NM_133437.4); short protein forms W12833*, W12641*, W20065*, W12766*, W19138*, W21706*.
Identifiers: ClinVar variation 4794271 (VCV004794271.1).

ClinVar aggregate classification (germline): Likely pathogenic (1 of 4 stars; one submission).

Conditions:
Autosomal recessive limb-girdle muscular dystrophy type 2J (LGMDR10). Also called: MUSCULAR DYSTROPHY, LIMB-GIRDLE, AUTOSOMAL RECESSIVE 10; Limb-girdle muscular dystrophy, type 2J. Identifiers: Orphanet 140922, MedGen C1837342, MONDO:0012127, OMIM 608807.
Dilated cardiomyopathy 1G (CMD1G). Identifiers: Orphanet 154, MedGen C1858763, MONDO:0011400, OMIM 604145.

Submission:

Labcorp Genetics (formerly Invitae), Labcorp
Classification: Likely pathogenic for Dilated cardiomyopathy 1G; Autosomal recessive limb-girdle muscular dystrophy type 2J. Last evaluated: 2025-06-24. Review status: criteria provided, single submitter. Criteria: Invitae Variant Classification Sherloc (09022015). Collection method: clinical testing. Allele origin: germline.
Comment: This sequence change creates a premature translational stop signal (p.Trp21706*) in the TTN gene. While this is not anticipated to result in nonsense mediated decay, it is expected to create a truncated TTN protein. This variant is not present in population databases (gnomAD no frequency). This variant has not been reported in the literature in individuals affected with TTN-related conditions. This variant is located in the A band of TTN (PMID: 25589632). Truncating variants in this region are significantly overrepresented in patients affected with dilated cardiomyopathy (PMID: 25589632). Truncating variants in this region have also been reported in individuals affected with autosomal recessive centronuclear myopathy (PMID: 23975875). In summary, the currently available evidence indicates that the variant is pathogenic, but additional data are needed to prove that conclusively. Therefore, this variant has been classified as Likely Pathogenic.

Literature cited by the submitters: PubMed 25589632; PubMed 23975875.